The following is an entry in ClinVar:

ClinVar aggregate classification (germline): Uncertain significance (1 of 4 stars; one submission).

Conditions:
DTNA-related disorder. Also called: DTNA-related condition.

Submission:

PreventionGenetics, part of Exact Sciences
Classification: Uncertain significance for DTNA-related condition. Last evaluated: 2026-09-03. Review status: criteria provided, single submitter. Criteria: ACMG Guidelines, 2015. Collection method: clinical testing. Allele origin: germline.
Comment: The DTNA c.2023G>A variant is predicted to result in the amino acid substitution p.Ala675Thr. To our knowledge, this variant has not been reported in the literature. This variant is reported in 0.0062% of alleles in individuals of African descent in gnomAD. At this time, the clinical significance of this variant is uncertain due to the absence of conclusive functional and genetic evidence.

NM_001386795.1(DTNA):c.2104G>A (p.Ala702Thr)

Gene: DTNA (dystrobrevin alpha; plus strand). Cytogenetic location: 18q12.1.
Variant type: single nucleotide variant.
Coding change: c.2104G>A on transcript NM_001386795.1 (MANE Select); coding-DNA position 2104, G replaced by A.
Protein change: p.Ala702Thr; replaces alanine 702 with threonine.
Molecular consequence: missense variant.
Genome position (GRCh38, 1-based): chr18:34,879,661, G>A. VCF-style: chr18-34879661-G-A. GRCh37 (hg19) VCF-style: chr18-32459625-G-A.
Other names: c.1843G>A, p.Ala615Thr (NM_001198938.2, NM_001198940.2, NM_001386753.1 and 5 more transcripts); c.1864G>A, p.Ala622Thr (NM_001198939.2); c.1150G>A, p.Ala384Thr (NM_001198942.1); c.1093G>A, p.Ala365Thr (NM_001198943.1); c.979G>A, p.Ala327Thr (NM_001198944.1); c.1933G>A, p.Ala645Thr (NM_001386754.1, NM_001386755.1, NM_001386756.1 and 3 more transcripts); c.1930G>A, p.Ala644Thr (NM_001386760.1); c.1852G>A, p.Ala618Thr (NM_001386761.1, NM_032975.4); and 5 more; short protein forms A327T, A365T, A617T, A618T, A622T, A323T, A384T, A645T.
Identifiers: ClinVar variation 4985619 (VCV004985619.1).